The following is an entry in ClinVar:

ClinVar aggregate classification (germline): Uncertain significance. Review status: criteria provided, multiple submitters, no conflicts (2 of 4 stars). 6 submissions from 6 submitters: Uncertain significance (5). 1 of the submissions does not count toward it. Last evaluated 2026-01-25.

Conditions:
VCL-related disorder. Also called: VCL-related condition.
Cardiovascular phenotype. Identifiers: MedGen CN230736.
Hypertrophic cardiomyopathy 15. Identifiers: MedGen C2750459, MONDO:0013200, OMIM 613255.
Dilated cardiomyopathy 1W (CMD1W). Identifiers: Orphanet 154, MedGen C1969639, MONDO:0012667, OMIM 611407.
Wolff-Parkinson-White pattern. Also called: WPW SYNDROME; Auriculoventricular accessory pathway syndrome; False bundle branch block syndrome; Anomalous ventricular excitation syndrome. Identifiers: MedGen C0043202, MONDO:0008685, OMIM 194200, HP:0001716.

Allele frequency attached by ClinVar (database versions not stated): gnomAD exomes 0.00001.
gnomAD v4.1: 10 of 1,614,096 alleles (0.00062%); highest among the groups gnomAD compares: Non-Finnish European, 0.00085%; no homozygotes.

Submissions (6):

Labcorp Genetics (formerly Invitae), Labcorp
Classification: Uncertain significance for Dilated cardiomyopathy 1W. Last evaluated: 2026-01-25. Review status: criteria provided, single submitter. Criteria: Invitae Variant Classification Sherloc (09022015). Collection method: clinical testing. Allele origin: germline.
Comment: This sequence change replaces histidine, which is basic and polar, with tyrosine, which is neutral and polar, at codon 184 of the VCL protein (p.His184Tyr). This variant is present in population databases (no rsID available, gnomAD 0.002%). This variant has not been reported in the literature in individuals affected with VCL-related conditions. ClinVar contains an entry for this variant (Variation ID: 487630). An algorithm developed to predict the effect of missense changes on protein structure and function (PolyPhen-2) suggests that this variant is likely to be disruptive. In summary, the available evidence is currently insufficient to determine the role of this variant in disease. Therefore, it has been classified as a Variant of Uncertain Significance.

PreventionGenetics, part of Exact Sciences
Classification: Uncertain significance for VCL-related condition. Last evaluated: 2025-11-18. Review status: criteria provided, single submitter. Criteria: ACMG Guidelines, 2015. Collection method: clinical testing. Allele origin: germline.
Comment: The VCL c.550C>T variant is predicted to result in the amino acid substitution p.His184Tyr. This variant has been reported in an individual with Wolff-Parkinson-White syndrome (Table S4, Coban-Akdemir et al. 2020. PubMed ID: 32233023). This variant is reported in 0.0018% of alleles in individuals of European (Non-Finnish) descent in gnomAD. At this time, the clinical significance of this variant is uncertain due to the absence of conclusive functional and genetic evidence.

Ambry Genetics
Classification: Uncertain significance for Cardiovascular phenotype. Last evaluated: 2022-12-15. Review status: criteria provided, single submitter. Criteria: Ambry Variant Classification Scheme 2023. Collection method: clinical testing. Allele origin: germline.
Comment: The p.H184Y variant (also known as c.550C>T), located in coding exon 5 of the VCL gene, results from a C to T substitution at nucleotide position 550. The histidine at codon 184 is replaced by tyrosine, an amino acid with similar properties. This alteration has been seen in Wolff- Parkinson-White cohort (Coban-Akdemir ZH et al. Am J Med Genet A, 2020 Jun;182:1387-1399). This amino acid position is highly conserved in available vertebrate species. In addition, the in silico prediction for this alteration is inconclusive. Since supporting evidence is limited at this time, the clinical significance of this alteration remains unclear.

Fulgent Genetics
Classification: Uncertain significance for Dilated cardiomyopathy 1W; Hypertrophic cardiomyopathy 15. Last evaluated: 2021-09-29. Review status: criteria provided, single submitter. Criteria: ACMG Guidelines, 2015. Collection method: clinical testing. Allele origin: unknown.

ARUP Laboratories, Molecular Genetics and Genomics, ARUP Laboratories
Classification: Uncertain significance. Last evaluated: 2020-01-28. Review status: criteria provided, single submitter. Criteria: ARUP Molecular Germline Variant Investigation Process. Collection method: clinical testing. Allele origin: germline.
Comment: The VCL c.550C>T; p.His184Tyr variant (rs1321660809), to our knowledge, is not reported in the medical literature but is reported in ClinVar (Variation ID: 487630). This variant is found on only two chromosomes (2/251388 alleles) in the Genome Aggregation Database. The histidine at codon 184 is highly conserved, and computational analyses (SIFT, PolyPhen-2) predict that this variant is deleterious. However, due to limited information, the clinical significance of the p.His184Tyr variant is uncertain at this time.

Lupski Lab, Baylor-Hopkins CMG, Baylor College of Medicine
Classification: Uncertain significance for Wolff-Parkinson-White pattern. Last evaluated: 2017-07-14. Review status: no assertion criteria provided. Collection method: research. Allele origin: unknown. Affected: yes. Observed: 1 variant allele. Study: Candidate_variants_in_patients_with_ Wolff-Parkinson-White Syndrome. Not counted in ClinVar's aggregate classification.

Literature cited by the submitters: PubMed 32233023 (cited by Ambry Genetics).

NM_014000.3(VCL):c.550C>T (p.His184Tyr)

Gene: VCL (vinculin; plus strand). Cytogenetic location: 10q22.2.
Variant type: single nucleotide variant.
Coding change: c.550C>T on transcript NM_014000.3 (MANE Select); coding-DNA position 550, C replaced by T.
Protein change: p.His184Tyr; replaces histidine 184 with tyrosine.
Molecular consequence: missense variant.
Genome position (GRCh38, 1-based): chr10:74,072,780, C>T. VCF-style: chr10-74072780-C-T. GRCh37 (hg19) VCF-style: chr10-75832538-C-T.
Other names: c.550C>T, p.His184Tyr (NM_003373.4); short protein forms H184Y.
Identifiers: ClinVar variation 487630 (VCV000487630.15), dbSNP rs1321660809, ClinGen allele CA377268016.